The following is an entry in ClinVar:

ClinVar aggregate classification (germline): Uncertain significance (1 of 4 stars; one submission).

Conditions:
Primary ciliary dyskinesia. Also called: Ciliary dyskinesia. Identifiers: Orphanet 244, MedGen C0008780, MONDO:0016575, HP:0012265.

Allele frequency attached by ClinVar (database versions not stated): gnomAD 0.00001.
gnomAD v4.1: 19 of 1,606,314 alleles (0.0012%); highest among the groups gnomAD compares: Non-Finnish European, 0.0016%; no homozygotes.

Submission:

Ambry Genetics
Classification: Uncertain significance for Primary ciliary dyskinesia. Last evaluated: 2015-08-30. Review status: criteria provided, single submitter. Criteria: Ambry Variant Classification Scheme 2023. Collection method: clinical testing. Allele origin: germline.
Comment: The p.S1608C variant (also known as c.4823C>G), located in coding exon 28 of the DNAH11 gene, results from a C to G substitution at nucleotide position 4823. The serine at codon 1608 is replaced by cysteine, an amino acid with dissimilar properties. This variant was not reported in population based cohorts in the following databases: Database of Single Nucleotide Polymorphisms (dbSNP), NHLBI Exome Sequencing Project (ESP), and 1000 Genomes Project. In the ESP, this variant was not observed in 5940 samples (11880 alleles) with coverage at this position. This amino acid position is not well conserved in available vertebrate species. Since supporting evidence is limited at this time, the clinical significance of this variant remains unclear.

NM_001277115.2(DNAH11):c.4823C>G (p.Ser1608Cys)

Gene: DNAH11 (dynein axonemal heavy chain 11; plus strand). Cytogenetic location: 7p15.3.
Variant type: single nucleotide variant.
Coding change: c.4823C>G on transcript NM_001277115.2 (MANE Select); coding-DNA position 4823, C replaced by G.
Protein change: p.Ser1608Cys; replaces serine 1608 with cysteine.
Molecular consequence: missense variant.
Genome position (GRCh38, 1-based): chr7:21,638,944, C>G. VCF-style: chr7-21638944-C-G. GRCh37 (hg19) VCF-style: chr7-21678562-C-G.
Other names: c.4838C>G, p.Ser1613Cys (NM_003777.3); short protein forms S1613C, S1608C.
Identifiers: ClinVar variation 1743376 (VCV001743376.2), dbSNP rs1289254168, ClinGen allele CA366934307.